The following is an entry in ClinVar:

NM_001035.3(RYR2):c.4073G>C (p.Arg1358Pro)

Genes: RYR2 (ryanodine receptor 2; plus strand), LOC126806067 (BRD4-independent group 4 enhancer GRCh37_chr1:237753258-237754457; plus strand). Cytogenetic location: 1q43.
Variant type: single nucleotide variant.
Coding change: c.4073G>C on transcript NM_001035.3 (MANE Select); coding-DNA position 4073, G replaced by C.
Protein change: p.Arg1358Pro; replaces arginine 1358 with proline.
Molecular consequence: missense variant.
Genome position (GRCh38, 1-based): chr1:237,590,905, G>C. VCF-style: chr1-237590905-G-C. GRCh37 (hg19) VCF-style: chr1-237754205-G-C.
Other names: short protein forms R1358P.
Identifiers: ClinVar variation 3232396 (VCV003232396.2), dbSNP rs1675084862, ClinGen allele CA345397681.
Genomic context (GRCh38, chr1:237,590,905, plus strand): 5'-ATGCTGATTCTGACTTTGAGGTTCTGATGAAGACAGCTCATGGCCATCTAGTGCCCGATC[G>C]TGTTGACAAAGACAAAGAAGCTACTAAACCAGAGTTTAACAACCACAAAGATTATGCCCA-3'
Protein context (NP_001026.2, residues 1348-1368): KTAHGHLVPD[Arg1358Pro]VDKDKEATKP

ClinVar aggregate classification (germline): Uncertain significance. Review status: criteria provided, multiple submitters, no conflicts (2 of 4 stars). 2 submissions from 2 submitters: Uncertain significance (2). Last evaluated 2024-06-09.

Conditions:
Cardiovascular phenotype. Identifiers: MedGen CN230736.
Catecholaminergic polymorphic ventricular tachycardia (CVPT). Also called: Catecholamine-induced polymorphic ventricular tachycardia. Identifiers: Orphanet 3286, MedGen C5574922, MONDO:0017990.

Submissions (2):

All of Us Research Program, National Institutes of Health
Classification: Uncertain significance for Catecholaminergic polymorphic ventricular tachycardia. Last evaluated: 2024-06-09. Review status: criteria provided, single submitter. Criteria: ACMG Guidelines, 2015. Collection method: clinical testing. Allele origin: germline. Inheritance: Autosomal dominant inheritance. Observed: 1 variant allele, 1 heterozygote.
Comment: This missense variant replaces arginine with proline at codon 1358 of the RYR2 protein. Computational prediction suggests that this variant may not impact protein structure and function (internally defined REVEL score threshold <= 0.5, PMID: 27666373). To our knowledge, functional studies have not been reported for this variant. This variant has not been reported in individuals affected with RYR2-related disorders in the literature. This variant has not been identified in the general population by the Genome Aggregation Database (gnomAD). The available evidence is insufficient to determine the role of this variant in disease conclusively. Therefore, this variant is classified as a Variant of Uncertain Significance.

This study involves interpretation of variants in research participants for the purpose of population health screening. Participant phenotype was not available at the time of variant classification. Additional details can be found in publication PMID: 35346344, PMCID: PMC8962531

Ambry Genetics
Classification: Uncertain significance for Cardiovascular phenotype. Last evaluated: 2023-11-22. Review status: criteria provided, single submitter. Criteria: Ambry Variant Classification Scheme 2023. Collection method: clinical testing. Allele origin: germline.
Comment: The p.R1358P variant (also known as c.4073G>C), located in coding exon 31 of the RYR2 gene, results from a G to C substitution at nucleotide position 4073. The arginine at codon 1358 is replaced by proline, an amino acid with dissimilar properties. This amino acid position is well conserved in available vertebrate species. In addition, the in silico prediction for this alteration is inconclusive. Since supporting evidence is limited at this time, the clinical significance of this alteration remains unclear.